The following is an entry in ClinVar:

NM_004006.3(DMD):c.2797C>T (p.Gln933Ter)

Gene: DMD (dystrophin; minus strand). Cytogenetic location: Xp21.1.
Variant type: single nucleotide variant.
Coding change: c.2797C>T on transcript NM_004006.3 (MANE Select); coding-DNA position 2797, C replaced by T.
Protein change: p.Gln933Ter; replaces glutamine 933 with a stop codon.
Molecular consequence: nonsense.
Genome position (GRCh38, 1-based): chrX:32,484,925, G>A on the plus strand (C>T on the coding strand, the complement: DMD is on the minus strand). VCF-style: chrX-32484925-G-A. GRCh37 (hg19) VCF-style: chrX-32503042-G-A.
Other names: c.2773C>T, p.Gln925Ter (NM_000109.4); c.2785C>T, p.Gln929Ter (NM_004009.3); c.2428C>T, p.Gln810Ter (NM_004010.3); short protein forms Q933*, Q810*, Q925*, Q929*.
Identifiers: ClinVar variation 217188 (VCV000217188.13), dbSNP rs756949497, ClinGen allele CA347495.

ClinVar aggregate classification (germline): Pathogenic. Review status: criteria provided, multiple submitters, no conflicts (2 of 4 stars). 6 submissions from 6 submitters: Pathogenic (6). Last evaluated 2025-05-19.

Conditions:
Becker muscular dystrophy, Cardiomyopathy, Duchenne muscular dystrophy, Dystrophin deficiency.
Duchenne muscular dystrophy (DMD). Also called: MUSCULAR DYSTROPHY, PSEUDOHYPERTROPHIC PROGRESSIVE, DUCHENNE TYPE; Duchenne Muscular Dystrophy (DMD). Identifiers: Orphanet 98896, MedGen C0013264, MONDO:0010679, OMIM 310200.

Submissions (6):

Natera, Inc.
Classification: Pathogenic for Becker muscular dystrophy, Cardiomyopathy, Duchenne muscular dystrophy, Dystrophin deficiency. Last evaluated: 2025-05-19. Review status: criteria provided, single submitter. Criteria: Natera Variant Classification Schema (03/2026). Collection method: clinical testing. Allele origin: germline.
Comment: The c.2797C>T variant in DMD is a nonsense variant predicted to introduce a stop codon at amino acid 933. This variant is expected to result in nonsense mediated decay, truncation, or a dysfunctional protein product. This variant is rare in the general population with a frequency below the threshold expected for the associated phenotype(s). This variant has been observed in affected individual(s) with monoallelic occurrence (heterozygous/hemizygous) (PMID: 28859693, 27593222, 25972034). Given the available evidence, this variant is classified as Pathogenic.

Labcorp Genetics (formerly Invitae), Labcorp
Classification: Pathogenic for Duchenne muscular dystrophy. Last evaluated: 2025-05-06. Review status: criteria provided, single submitter. Criteria: Invitae Variant Classification Sherloc (09022015). Collection method: clinical testing. Allele origin: germline.
Comment: This sequence change creates a premature translational stop signal (p.Gln933*) in the DMD gene. It is expected to result in an absent or disrupted protein product. Loss-of-function variants in DMD are known to be pathogenic (PMID: 16770791, 25007885). This variant is not present in population databases (gnomAD no frequency). This premature translational stop signal has been observed in individual(s) with Duchenne and Becker muscular dystrophies (PMID: 17726484, 27593222). ClinVar contains an entry for this variant (Variation ID: 217188). For these reasons, this variant has been classified as Pathogenic.

Revvity Omics, Revvity
Classification: Pathogenic. Last evaluated: 2025-03-05. Review status: criteria provided, single submitter. Criteria: ACMG Guidelines, 2015. Collection method: clinical testing. Allele origin: germline.

Clinical Genetics Laboratory, Skane University Hospital Lund
Classification: Pathogenic. Last evaluated: 2022-07-28. Review status: criteria provided, single submitter. Criteria: ACMG Guidelines, 2015. Collection method: clinical testing. Allele origin: germline. Affected: yes.

Eurofins Ntd Llc (ga)
Classification: Pathogenic. Last evaluated: 2017-12-01. Review status: criteria provided, single submitter. Criteria: EGL Classification Definitions 2015. Collection method: clinical testing. Allele origin: germline. Observed: 2 variant alleles, 2 hemizygotes.

Athena Diagnostics
Classification: Pathogenic for Duchenne muscular dystrophy. Last evaluated: 2013-08-21. Review status: criteria provided, single submitter. Criteria: Athena Diagnostics Criteria. Collection method: clinical testing. Allele origin: germline. Inheritance: X-linked recessive inheritance.
Comment: X-linked recessive inheritance

Literature cited by the submitters: PubMed 28859693 (cited by Natera, Inc.); PubMed 27593222 (cited by Natera, Inc. and Labcorp Genetics (formerly Invitae), Labcorp); PubMed 25972034 (cited by Natera, Inc.); PubMed 16770791 (cited by Labcorp Genetics (formerly Invitae), Labcorp); PubMed 25007885 (cited by Labcorp Genetics (formerly Invitae), Labcorp); PubMed 17726484 (cited by 3 submitters); PubMed 19783145 (cited by Eurofins Ntd Llc (ga)).